The following is an entry in ClinVar:

ClinVar aggregate classification (germline): Uncertain significance (1 of 4 stars; one submission).

Submission:

GeneDx
Classification: Uncertain significance. Last evaluated: 2019-10-14. Review status: criteria provided, single submitter. Criteria: GeneDx Variant Classification Process June 2021. Collection method: clinical testing. Allele origin: germline. Affected: yes.
Comment: Not observed in large population cohorts (Lek et al., 2016); Normal stop codon changed to a Leucine codon, leading to the addition of 19 amino acids at the C-terminus; Has not been previously published as pathogenic or benign to our knowledge

NM_006397.3(RNASEH2A):c.896dup (p.Ter300LeuextTer?)

Gene: RNASEH2A (ribonuclease H2 subunit A; plus strand). Cytogenetic location: 19p13.13.
Variant type: Duplication.
Coding change: c.896dup on transcript NM_006397.3 (MANE Select); coding-DNA position 896, one base duplicated (T; older notation c.896dupT).
Protein change: p.Ter300LeuextTer?.
Molecular consequence: frameshift variant.
Genome position (GRCh38, 1-based): chr19:12,813,462, T duplicated. VCF-style (leftmost placement, unchanged base first): chr19-12813461-C-CT. GRCh37 (hg19) VCF-style: chr19-12924275-C-CT.
Identifiers: ClinVar variation 1304916 (VCV001304916.2), dbSNP rs2145830618, ClinGen allele CA2573054714.
Genomic context (GRCh38, chr19:12,813,461, plus strand): 5'-GCCCGTCCCCGTTCTTCCCACCGATATTTCCTGGAACGCGGCCTGGAGTCAGCAACCAGC[C>CT]TCTAGCAGCTGCCTCTACGCGCTCTACCTGCTTCCCCAACCCAGACATTAAAATTGTTTA-3'